The following is an entry in ClinVar:

NM_001385641.1(SAMD11):c.1216G>A (p.Glu406Lys)

Gene: SAMD11 (sterile alpha motif domain containing 11; plus strand). Cytogenetic location: 1p36.33.
Variant type: single nucleotide variant.
Coding change: c.1216G>A on transcript NM_001385641.1 (MANE Select); coding-DNA position 1216, G replaced by A.
Protein change: p.Glu406Lys; replaces glutamic acid 406 with lysine.
Molecular consequence: missense variant.
Genome position (GRCh38, 1-based): chr1:941,164, G>A. VCF-style: chr1-941164-G-A. GRCh37 (hg19) VCF-style: chr1-876544-G-A.
Other names: c.1219G>A, p.Glu407Lys (NM_001385640.1); c.727G>A, p.Glu243Lys (NM_152486.4); short protein forms E407K, E243K, E406K.
Identifiers: ClinVar variation 1909867 (VCV001909867.4), dbSNP rs1370063756, ClinGen allele CA337803192.

ClinVar aggregate classification (germline): Uncertain significance (1 of 4 stars; one submission).

Allele frequency attached by ClinVar (database versions not stated): gnomAD exomes below 0.00001; TOPMed below 0.00001.
gnomAD v4.1: 2 of 1,601,494 alleles (0.00012%); highest among the groups gnomAD compares: Non-Finnish European, 0.000085%; no homozygotes.

Submission:

Labcorp Genetics (formerly Invitae), Labcorp
Classification: Uncertain significance. Last evaluated: 2022-08-13. Review status: criteria provided, single submitter. Criteria: Invitae Variant Classification Sherloc (09022015). Collection method: clinical testing. Allele origin: germline.
Comment: This sequence change replaces glutamic acid, which is acidic and polar, with lysine, which is basic and polar, at codon 243 of the SAMD11 protein (p.Glu243Lys). This variant is not present in population databases (gnomAD no frequency). This variant has not been reported in the literature in individuals affected with SAMD11-related conditions. Algorithms developed to predict the effect of missense changes on protein structure and function are either unavailable or do not agree on the potential impact of this missense change (SIFT: "Tolerated"; PolyPhen-2: "Possibly Damaging"; Align-GVGD: "Class C0"). In summary, the available evidence is currently insufficient to determine the role of this variant in disease. Therefore, it has been classified as a Variant of Uncertain Significance.